The following is an entry in ClinVar:

NM_004082.5(DCTN1):c.21C>T (p.His7=)

Gene: DCTN1 (dynactin subunit 1; minus strand). Cytogenetic location: 2p13.1.
Variant type: single nucleotide variant.
Coding change: c.21C>T on transcript NM_004082.5 (MANE Select); coding-DNA position 21, C replaced by T.
Protein change: p.His7=; no amino-acid change (histidine 7 retained).
Molecular consequence: synonymous variant. On other transcripts: intron variant (3).
Genome position (GRCh38, 1-based): chr2:74,380,017, G>A on the plus strand (C>T on the coding strand, the complement: DCTN1 is on the minus strand). VCF-style: chr2-74380017-G-A. GRCh37 (hg19) VCF-style: chr2-74607144-G-A.
Other names: c.21C>T (NM_004082.4); c.21C>T, p.His7= (NM_001135040.3, NM_001190837.2); c.-18-1772C>T (NM_001190836.2, NM_001378992.1, NM_001378991.1).
Identifiers: ClinVar variation 1543378 (VCV001543378.9), dbSNP rs373040626, ClinGen allele CA50441481.
Genomic context (GRCh38, chr2:74,380,017, plus strand): 5'-GCCTTCCCCAGCAGCCCTCCAGGGCCATCCCAGATTAGGGCCACTTACCCGGCTGTACAC[G>A]TGCCTCTTGCTCTGTGCCATGTTGCTCACCCGGCCTCTACCCCCTCCCCCAGCTGGCCAA-3'
Protein context (NP_004073.2, residues 1-17): MAQSKR[His7=]VYSRTPSGSR

ClinVar aggregate classification (germline): Likely benign. Review status: criteria provided, single submitter (1 of 4 stars). 2 submissions from 2 submitters: Likely benign (1). 1 of the submissions does not count toward it. Last evaluated 2025-09-07.

Conditions:
Amyotrophic lateral sclerosis type 1 (ALS1). Also called: AMYOTROPHIC LATERAL SCLEROSIS 1, FAMILIAL. Identifiers: Orphanet 803, MedGen C1862939, MONDO:0007103, OMIM 105400.
Perry syndrome. Also called: PARKINSONISM WITH ALVEOLAR HYPOVENTILATION AND MENTAL DEPRESSION. Identifiers: Orphanet 178509, MedGen C1868594, MONDO:0008201, OMIM 168605.
Neuronopathy, distal hereditary motor, type 7B. Also called: NEURONOPATHY, DISTAL HEREDITARY MOTOR, AUTOSOMAL DOMINANT 14; NEURONOPATHY, DISTAL HEREDITARY MOTOR, HARDING TYPE VIIB; NEUROPATHY, DISTAL HEREDITARY MOTOR, HARDING TYPE VIIB; NEUROPATHY, DISTAL HEREDITARY MOTOR, WITH VOCAL CORD PARALYSIS, HARDING TYPE VIIB; HMN VIIB; LOWER MOTOR NEURON DISEASE, DYNACTIN TYPE. Identifiers: Orphanet 139589, MedGen C1843315, MONDO:0011879, OMIM 607641.
DCTN1-related disorder. Also called: DCTN1-related condition.

Allele frequency attached by ClinVar (database versions not stated): gnomAD exomes 0.00001; gnomAD 0.00002; TOPMed 0.00002; ESP Exome Variant Server 0.00008.
gnomAD v4.1: 22 of 1,613,998 alleles (0.0014%); highest among the groups gnomAD compares: East Asian, 0.0089%; no homozygotes.

Submissions (2):

Labcorp Genetics (formerly Invitae), Labcorp
Classification: Likely benign for Amyotrophic lateral sclerosis type 1; Neuronopathy, distal hereditary motor, type 7B; Perry syndrome. Last evaluated: 2025-09-07. Review status: criteria provided, single submitter. Criteria: Invitae Variant Classification Sherloc (09022015). Collection method: clinical testing. Allele origin: germline.

PreventionGenetics, part of Exact Sciences
Classification: Likely benign for DCTN1-related condition. Last evaluated: 2023-06-07. Review status: no assertion criteria provided. Collection method: clinical testing. Allele origin: germline. Not counted in ClinVar's aggregate classification.
Comment: This variant is classified as likely benign based on ACMG/AMP sequence variant interpretation guidelines (Richards et al. 2015 PMID: 25741868, with internal and published modifications).